The following is an entry in ClinVar:

ClinVar aggregate classification (germline): Uncertain significance (1 of 4 stars; one submission).

Conditions:
Gnathodiaphyseal dysplasia (GDD). Also called: GNATHODIAPHYSEAL SCLEROSIS; OSTEOGENESIS IMPERFECTA WITH UNUSUAL SKELETAL LESIONS. Identifiers: Orphanet 53697, MedGen C1833736, MONDO:0008151, OMIM 166260.
Autosomal recessive limb-girdle muscular dystrophy type 2L (LGMDR12). Also called: Limb-girdle muscular dystrophy, type 2L; Limb-Girdle Muscular Dystrophy R12 Anoctamin-5-Related (LGMD-R12); MUSCULAR DYSTROPHY, LIMB-GIRDLE, AUTOSOMAL RECESSIVE 12. Identifiers: Orphanet 206549, MedGen C1969785, MONDO:0012652, OMIM 611307.

Allele frequency attached by ClinVar (database versions not stated): gnomAD 0.00001; TOPMed 0.00001; gnomAD exomes below 0.00001; ExAC 0.00001.
gnomAD v4.1: 1 of 1,602,486 alleles (0.000062%); highest among the groups gnomAD compares: African/African-American, 0.0013%; no homozygotes.

Submission:

Labcorp Genetics (formerly Invitae), Labcorp
Classification: Uncertain significance for Autosomal recessive limb-girdle muscular dystrophy type 2L; Gnathodiaphyseal dysplasia. Last evaluated: 2017-09-06. Review status: criteria provided, single submitter. Criteria: Invitae Variant Classification Sherloc (09022015). Collection method: clinical testing. Allele origin: germline.
Comment: In summary, the available evidence is currently insufficient to determine the role of this variant in disease. Therefore, it has been classified as a Variant of Uncertain Significance. Algorithms developed to predict the effect of missense changes on protein structure and function do not agree on the potential impact of this missense change (SIFT: "Tolerated"; PolyPhen-2: "Possibly Damaging"; Align-GVGD: "Class C0"). This variant has not been reported in the literature in individuals with ANO5-related disease. This variant is present in population databases (rs748238790, ExAC 0.01%). This sequence change replaces tyrosine with aspartic acid at codon 632 of the ANO5 protein (p.Tyr632Asp). The tyrosine residue is weakly conserved and there is a large physicochemical difference between tyrosine and aspartic acid.

NM_213599.3(ANO5):c.1894T>G (p.Tyr632Asp)

Gene: ANO5 (anoctamin 5; plus strand). Cytogenetic location: 11p14.3.
Variant type: single nucleotide variant.
Coding change: c.1894T>G on transcript NM_213599.3 (MANE Select); coding-DNA position 1894, T replaced by G.
Protein change: p.Tyr632Asp; replaces tyrosine 632 with aspartic acid.
Molecular consequence: missense variant.
Genome position (GRCh38, 1-based): chr11:22,263,039, T>G. VCF-style: chr11-22263039-T-G. GRCh37 (hg19) VCF-style: chr11-22284585-T-G.
Other names: c.1891T>G, p.Tyr631Asp (NM_001142649.2); short protein forms Y632D, Y631D.
Identifiers: ClinVar variation 536728 (VCV000536728.9), dbSNP rs748238790, ClinGen allele CA5923382.